The following is an entry in ClinVar:

ClinVar aggregate classification (germline): Uncertain significance (1 of 4 stars; one submission).

Conditions:
Inborn genetic diseases. Identifiers: MedGen C0950123, MeSH D030342.

Submission:

Ambry Genetics
Classification: Uncertain significance for Inborn genetic diseases. Last evaluated: 2025-04-20. Review status: criteria provided, single submitter. Criteria: Ambry Variant Classification Scheme 2023. Collection method: clinical testing. Allele origin: germline.
Comment: The p.A583E variant (also known as c.1748C>A), located in coding exon 11 of the RECQL4 gene, results from a C to A substitution at nucleotide position 1748. The alanine at codon 583 is replaced by glutamic acid, an amino acid with dissimilar properties. This amino acid position is conserved. In addition, this alteration is predicted to be deleterious by in silico analysis. Based on the available evidence, the clinical significance of this variant remains unclear.

NM_004260.4(RECQL4):c.1748C>A (p.Ala583Glu)

Gene: RECQL4 (RecQ like helicase 4; minus strand). Cytogenetic location: 8q24.3.
Variant type: single nucleotide variant.
Coding change: c.1748C>A on transcript NM_004260.4 (MANE Select); coding-DNA position 1748, C replaced by A.
Protein change: p.Ala583Glu; replaces alanine 583 with glutamic acid.
Molecular consequence: missense variant. On other transcripts: non-coding transcript variant (3), intron variant (3).
Genome position (GRCh38, 1-based): chr8:144,514,319, G>T on the plus strand (C>A on the coding strand, the complement: RECQL4 is on the minus strand). VCF-style: chr8-144514319-G-T. GRCh37 (hg19) VCF-style: chr8-145739703-G-T.
Other names: c.1652C>A, p.Ala551Glu (NM_001413017.1, NM_001413020.1); c.1748C>A, p.Ala583Glu (NM_001413018.1, NM_001413019.1, NM_001413036.1); c.677C>A, p.Ala226Glu (NM_001413021.1, NM_001413022.1, NM_001413023.1 and 6 more transcripts); c.1619C>A, p.Ala540Glu (NM_001413025.1); c.611C>A, p.Ala204Glu (NM_001413027.1, NM_001413030.1, NM_001413032.1 and 1 more transcripts); c.1397C>A, p.Ala466Glu (NM_001413029.1); c.1718C>A, p.Ala573Glu (NM_001413039.1); c.647C>A, p.Ala216Glu (NM_001413042.1); and 4 more; short protein forms A540E, A226E, A466E, A551E, A573E, A583E, A94E, A204E.
Identifiers: ClinVar variation 3944292 (VCV003944292.1).
Genomic context (GRCh38, chr8:144,514,319, plus strand): 5'-CAGGCAAAAGCAACTGGAGGCAGCTGTGCGGCTGGAGGGAGGCCTCCCGCCCCCACCAGT[G>T]CCTCAGGTGTCAGCATCAGCACGTGTACCTGGGCTGCCCGAATCTGAAGGCAGCAAGATC-3'
Protein context (NP_004251.4, residues 573-593): QVHVLMLTPE[Ala583Glu]LVGAGGLPPA